The following is an entry in ClinVar:

NM_001371596.2(MFSD8):c.562A>T (p.Thr188Ser)

Gene: MFSD8 (major facilitator superfamily domain containing 8; minus strand). Cytogenetic location: 4q28.2.
Variant type: single nucleotide variant.
Coding change: c.562A>T on transcript NM_001371596.2 (MANE Select); coding-DNA position 562, A replaced by T.
Protein change: p.Thr188Ser; replaces threonine 188 with serine.
Molecular consequence: missense variant. On other transcripts: intron variant (5).
Genome position (GRCh38, 1-based): chr4:127,939,989, T>A on the plus strand (A>T on the coding strand, the complement: MFSD8 is on the minus strand). VCF-style: chr4-127939989-T-A. GRCh37 (hg19) VCF-style: chr4-128861144-T-A.
Other names: c.427A>T, p.Thr143Ser (NM_001371590.2); c.562A>T, p.Thr188Ser (NM_001371591.2, NM_152778.4); c.568A>T, p.Thr190Ser (NM_001371592.2); c.448A>T, p.Thr150Ser (NM_001371593.2, NM_001410766.1); c.419-1153A>T (NM_001371595.1); c.304+3763A>T (NM_001410765.1); c.439+3763A>T (NM_001363521.3); c.553+2056A>T (NM_001363520.3); and 1 more; short protein forms T150S, T188S, T190S, T143S.
Identifiers: ClinVar variation 1043716 (VCV001043716.2), dbSNP rs1739868697, ClinGen allele CA358175589.
Genomic context (GRCh38, chr4:127,939,989, plus strand): 5'-TTATCTGCAGTTTAATCACATCCCATGTCACACCTTTTTCTCCAAGGAATGTAAAACAAG[T>A]CTGAAAAACTTATTAAGATAAAATTTTCACAGATGAATTATTATATGAGAAGCATAGGAT-3'
Protein context (NP_001358525.1, residues 178-198): LGFILGPVFQ[Thr188Ser]CFTFLGEKGV

ClinVar aggregate classification (germline): Uncertain significance (1 of 4 stars; one submission).

Conditions:
Neuronal ceroid lipofuscinosis 7 (CLN7). Also called: MFSD8-Related Neuronal Ceroid-Lipofuscinosis. Identifiers: Orphanet 168491, Orphanet 228366, MedGen C1838571, MONDO:0012588, OMIM 610951.

Submission:

Labcorp Genetics (formerly Invitae), Labcorp
Classification: Uncertain significance for Neuronal ceroid lipofuscinosis 7. Last evaluated: 2020-04-20. Review status: criteria provided, single submitter. Criteria: Invitae Variant Classification Sherloc (09022015). Collection method: clinical testing. Allele origin: germline.
Comment: This sequence change replaces threonine with serine at codon 188 of the MFSD8 protein (p.Thr188Ser). The threonine residue is moderately conserved and there is a small physicochemical difference between threonine and serine. This variant is not present in population databases (ExAC no frequency). This variant has not been reported in the literature in individuals with MFSD8-related conditions. Algorithms developed to predict the effect of missense changes on protein structure and function (SIFT, PolyPhen-2, Align-GVGD) all suggest that this variant is likely to be tolerated, but these predictions have not been confirmed by published functional studies and their clinical significance is uncertain. In summary, the available evidence is currently insufficient to determine the role of this variant in disease. Therefore, it has been classified as a Variant of Uncertain Significance.